The following is an entry in ClinVar:

NM_153212.3(GJB4):c.409T>C (p.Phe137Leu)

Gene: GJB4 (gap junction protein beta 4; plus strand). Cytogenetic location: 1p34.3.
Variant type: single nucleotide variant.
Coding change: c.409T>C on transcript NM_153212.3 (MANE Select); coding-DNA position 409, T replaced by C.
Protein change: p.Phe137Leu; replaces phenylalanine 137 with leucine.
Molecular consequence: missense variant.
Genome position (GRCh38, 1-based): chr1:34,761,663, T>C. VCF-style: chr1-34761663-T-C. GRCh37 (hg19) VCF-style: chr1-35227264-T-C.
Other names: GJB4, PHE137LEU, 409T-C; short protein forms F137L.
Identifiers: ClinVar variation 5004 (VCV000005004.3), dbSNP rs80358207, ClinGen allele CA117200.

ClinVar aggregate classification (germline): Likely pathogenic. Review status: criteria provided, single submitter (1 of 4 stars). 2 submissions from 2 submitters: Likely pathogenic (1). 1 of the submissions does not count toward it. Last evaluated 2025-12-12.

Conditions:
Erythrokeratodermia variabilis et progressiva 2 (EKVP2). Identifiers: MedGen C4479618, MONDO:0033012, OMIM 617524.

Submissions (2):

GeneDx
Classification: Likely pathogenic. Last evaluated: 2025-12-12. Review status: criteria provided, single submitter. Criteria: GeneDx Variant Classification Process June 2021. Collection method: clinical testing. Allele origin: germline. Affected: yes.
Comment: Not observed at significant frequency in large population cohorts (gnomAD); In silico analysis supports that this missense variant has a deleterious effect on protein structure/function; This variant is associated with the following publications: (PMID: 11017804, 12648223, 148984)

OMIM
Classification: Pathogenic for ERYTHROKERATODERMIA VARIABILIS ET PROGRESSIVA 2. Last evaluated: 2003-04-01. Review status: no assertion criteria provided. Collection method: literature only. Allele origin: germline. Not counted in ClinVar's aggregate classification.

Literature cited by the submitters: PubMed 148984 (cited by OMIM); PubMed 11017804 (cited by OMIM); PubMed 12648223 (cited by OMIM).